The following is an entry in ClinVar:

ClinVar aggregate classification (germline): Conflicting classifications of pathogenicity. Review status: criteria provided, conflicting classifications (1 of 4 stars). 2 submissions from 2 submitters: Likely pathogenic (1); Uncertain significance (1). Last evaluated 2024-11-19.

gnomAD v4.1: 25 of 1,614,002 alleles (0.0015%); highest among the groups gnomAD compares: Non-Finnish European, 0.002%; no homozygotes.

Submissions (2):

Blueprint Genetics
Classification: Uncertain significance. Last evaluated: 2024-11-19. Review status: criteria provided, single submitter. Criteria: ACMG Guidelines, 2015. Collection method: clinical testing. Allele origin: germline.

GeneDx
Classification: Likely pathogenic. Last evaluated: 2024-02-14. Review status: criteria provided, single submitter. Criteria: GeneDx Variant Classification Process June 2021. Collection method: clinical testing. Allele origin: germline. Affected: yes.
Comment: Nonsense variant predicted to result in protein truncation or nonsense mediated decay in a gene for which loss of function is a known mechanism of disease; Not observed at significant frequency in large population cohorts (gnomAD); Has not been previously published as pathogenic or benign to our knowledge

NM_001375905.1(SGMS2):c.613C>T (p.Arg205Ter)

Genes: CYP2U1-AS1 (CYP2U1 and SGMS2 antisense RNA 1; minus strand), SGMS2 (sphingomyelin synthase 2; plus strand). Cytogenetic location: 4q25.
Variant type: single nucleotide variant.
Coding change: c.613C>T on transcript NM_001375905.1 (MANE Select); coding-DNA position 613, C replaced by T.
Protein change: p.Arg205Ter; replaces arginine 205 with a stop codon.
Molecular consequence: nonsense.
Genome position (GRCh38, 1-based): chr4:107,903,272, C>T. VCF-style: chr4-107903272-C-T. GRCh37 (hg19) VCF-style: chr4-108824428-C-T.
Other names: c.613C>T, p.Arg205Ter (NM_001136257.2, NM_001136258.2, NM_001375906.1 and 4 more transcripts); c.94C>T, p.Arg32Ter (NM_001375911.1); short protein forms R205*, R32*.
Identifiers: ClinVar variation 3369010 (VCV003369010.2).